The following is an entry in ClinVar:

ClinVar aggregate classification (germline): Benign/Likely benign. Review status: criteria provided, multiple submitters, no conflicts (2 of 4 stars). 4 submissions from 4 submitters: Benign (1); Likely benign (3). Last evaluated 2026-01-17.

Conditions:
Hereditary cancer-predisposing syndrome. Also called: Tumor predisposition; Neoplastic Syndromes, Hereditary; Hereditary Cancer Syndrome; Hereditary neoplastic syndrome. Identifiers: Orphanet 140162, MedGen C0027672, MeSH D009386, MONDO:0015356.
Multiple endocrine neoplasia, type 1 (MEN1). Also called: MEN I; WERMER SYNDROME; Endocrine adenomatosis multiple; MEN 1; MEA I. Identifiers: Orphanet 652, MedGen C0025267, MeSH D018761, MONDO:0007540, OMIM 131100.

Allele frequency attached by ClinVar (database versions not stated): ExAC 0.00001.

Submissions (4):

Labcorp Genetics (formerly Invitae), Labcorp
Classification: Likely benign for Multiple endocrine neoplasia, type 1. Last evaluated: 2026-01-17. Review status: criteria provided, single submitter. Criteria: Invitae Variant Classification Sherloc (09022015). Collection method: clinical testing. Allele origin: germline.

Color Diagnostics, LLC DBA Color Health
Classification: Likely benign for Multiple endocrine neoplasia, type 1. Last evaluated: 2025-06-09. Review status: criteria provided, single submitter. Criteria: ACMG Guidelines, 2015. Collection method: clinical testing. Allele origin: germline.

Myriad Genetics, Inc.
Classification: Benign for Multiple endocrine neoplasia, type 1. Last evaluated: 2024-11-04. Review status: criteria provided, single submitter. Criteria: Myriad Autosomal Dominant, Autosomal Recessive and X-Linked Classification Criteria (2023). Collection method: clinical testing. Allele origin: unknown.
Comment: This variant is considered benign. This variant is a silent/synonymous amino acid change and it is not expected to impact splicing.

Ambry Genetics
Classification: Likely benign for Hereditary cancer-predisposing syndrome. Last evaluated: 2022-02-22. Review status: criteria provided, single submitter. Criteria: Ambry Variant Classification Scheme 2023. Collection method: clinical testing. Allele origin: germline.

NM_001370259.2(MEN1):c.876C>T (p.Thr292=)

Gene: MEN1 (menin 1; minus strand). Cytogenetic location: 11q13.1.
Variant type: single nucleotide variant.
Coding change: c.876C>T on transcript NM_001370259.2 (MANE Select); coding-DNA position 876, C replaced by T.
Protein change: p.Thr292=; no amino-acid change (threonine 292 retained).
Molecular consequence: synonymous variant.
Genome position (GRCh38, 1-based): chr11:64,807,047, G>A on the plus strand (C>T on the coding strand, the complement: MEN1 is on the minus strand). VCF-style: chr11-64807047-G-A. GRCh37 (hg19) VCF-style: chr11-64574519-G-A.
Other names: c.891C>T, p.Thr297= (NM_000244.4, NM_130800.3, NM_130801.3 and 3 more transcripts); c.876C>T, p.Thr292= (NM_001370251.2, NM_001370260.2, NM_001370261.2 and 1 more transcripts); c.771C>T, p.Thr257= (NM_001370262.2, NM_001370263.2).
Identifiers: ClinVar variation 1093363 (VCV001093363.13), dbSNP rs756782257, ClinGen allele CA061750.